The following is an entry in ClinVar:

ClinVar aggregate classification (germline): Conflicting classifications of pathogenicity. Review status: criteria provided, conflicting classifications (1 of 4 stars). 7 submissions from 6 submitters: Uncertain significance (2); Benign (1); Likely benign (3). 1 of the submissions does not count toward it. Last evaluated 2026-03-24.

Conditions:
USH2A-related disorder. Also called: USH2A-related condition; USH2A-related disorders. Identifiers: MedGen CN239332.
Retinitis pigmentosa (RP). Identifiers: Orphanet 791, MedGen C0035334, MeSH D012174, MONDO:0019200, OMIM 268000. Inheritance: Autosomal dominant, autosomal recessive and X linked inheritance.
Usher syndrome type 2A. Also called: RETINAL DISEASE IN USHER SYNDROME TYPE IIA, MODIFIER OF; USHER SYNDROME, TYPE IIA. Identifiers: Orphanet 231178, Orphanet 886, MedGen C1848634, MONDO:0010169, OMIM 276901.

Allele frequency attached by ClinVar (database versions not stated): TOPMed 0.00003; gnomAD exomes 0.00011 and 0.00035; 1000 Genomes Project 30x 0.00016; gnomAD 0.00019 and 0.00020; 1000 Genomes Project 0.00020; ExAC 0.00034.
gnomAD v4.1: 192 of 1,613,188 alleles (0.012%); highest among the groups gnomAD compares: Non-Finnish European, 0.0026%; 2 homozygotes.

Submissions (7):

PreventionGenetics, part of Exact Sciences
Classification: Likely benign for USH2A-related condition. Last evaluated: 2026-03-24. Review status: criteria provided, single submitter. Criteria: ACMG Guidelines, 2015. Collection method: clinical testing. Allele origin: germline.
Comment: This variant is classified as likely benign based on ACMG/AMP sequence variant interpretation guidelines (Richards et al. 2015 PMID: 25741868, with internal and published modifications).

Blueprint Genetics
Classification: Likely benign. Last evaluated: 2024-08-26. Review status: criteria provided, single submitter. Criteria: ACMG Guidelines, 2015. Collection method: clinical testing. Allele origin: germline.

Labcorp Genetics (formerly Invitae), Labcorp
Classification: Benign. Last evaluated: 2024-02-06. Review status: criteria provided, single submitter. Criteria: Invitae Variant Classification Sherloc (09022015). Collection method: clinical testing. Allele origin: germline.

CeGaT Center for Human Genetics Tuebingen
Classification: Likely benign. Last evaluated: 2020-03-01. Review status: criteria provided, single submitter. Criteria: CeGaT Center For Human Genetics Tuebingen Variant Classification Criteria Version 2. Collection method: clinical testing. Allele origin: germline. Affected: yes. Observed: 1 variant allele.

Illumina Laboratory Services, Illumina
Classification: Uncertain significance for Retinitis pigmentosa. Last evaluated: 2018-01-13. Review status: criteria provided, single submitter. Criteria: ICSL Variant Classification Criteria 13 December 2019. Collection method: clinical testing. Allele origin: germline.

Illumina Laboratory Services, Illumina
Classification: Uncertain significance for Usher syndrome type 2A. Last evaluated: 2018-01-13. Review status: criteria provided, single submitter. Criteria: ICSL Variant Classification Criteria 13 December 2019. Collection method: clinical testing. Allele origin: germline.

Natera, Inc.
Classification: Likely benign for Usher syndrome type 2A. Last evaluated: 2020-10-14. Review status: no assertion criteria provided. Collection method: clinical testing. Allele origin: germline. Not counted in ClinVar's aggregate classification.

NM_206933.4(USH2A):c.1539C>T (p.Thr513=)

Gene: USH2A (usherin; minus strand). Cytogenetic location: 1q41.
Variant type: single nucleotide variant.
Coding change: c.1539C>T on transcript NM_206933.4 (MANE Select); coding-DNA position 1539, C replaced by T.
Protein change: p.Thr513=; no amino-acid change (threonine 513 retained).
Molecular consequence: synonymous variant.
Genome position (GRCh38, 1-based): chr1:216,323,485, G>A on the plus strand (C>T on the coding strand, the complement: USH2A is on the minus strand). VCF-style: chr1-216323485-G-A. GRCh37 (hg19) VCF-style: chr1-216496827-G-A.
Other names: c.1539C>T, p.Thr513= (NM_007123.6); c.1539C>T (NM_206933.2).
Identifiers: ClinVar variation 295441 (VCV000295441.58), dbSNP rs199939890, ClinGen allele CA1396495.
Genomic context (GRCh38, chr1:216,323,485, plus strand): 5'-ACAGTAAGTATGACAAAAACCTTGTTGAAAACAAAATTCATAATAATACCTCCCACTAAT[G>A]GTGATTTCGTCCACTGCATAATATCTGTGTCTGAGGTTAACAGCAGTCTCAGTTGTATAG-3'
Protein context (NP_996816.3, residues 503-523): RHRYYAVDEI[Thr513=]ISGRCQCHGH